The following is an entry in ClinVar:

ClinVar aggregate classification (germline): Pathogenic (1 of 4 stars; one submission).

Conditions:
Neurofibromatosis, type 1 (NF1). Also called: VON RECKLINGHAUSEN DISEASE; Peripheral type neurofibromatosis; Neurofibromatosis, type I; NEUROFIBROMATOSIS, TYPE I, SOMATIC. Identifiers: Orphanet 636, MedGen C0027831, MONDO:0018975, OMIM 162200. Disease mechanism: loss of function.

Submission:

Labcorp Genetics (formerly Invitae), Labcorp
Classification: Pathogenic for Neurofibromatosis, type 1. Last evaluated: 2021-04-10. Review status: criteria provided, single submitter. Criteria: Invitae Variant Classification Sherloc (09022015). Collection method: clinical testing. Allele origin: germline.
Comment: This variant is not present in population databases (ExAC no frequency). This sequence change creates a premature translational stop signal (p.Gln112Thrfs*15) in the NF1 gene. It is expected to result in an absent or disrupted protein product. Loss-of-function variants in NF1 are known to be pathogenic (PMID: 10712197, 23913538). For these reasons, this variant has been classified as Pathogenic. This variant has not been reported in the literature in individuals with NF1-related conditions.

Literature cited by the submitters: PubMed 10712197; PubMed 23913538.

NM_001042492.3(NF1):c.333dup (p.Gln112fs)

Gene: NF1 (neurofibromin 1; plus strand). Cytogenetic location: 17q11.2.
Variant type: Duplication.
Coding change: c.333dup on transcript NM_001042492.3 (MANE Select); coding-DNA position 333, one base duplicated (A; older notation c.333dupA).
Protein change: p.Gln112fs; shifts the reading frame from glutamine 112.
Molecular consequence: frameshift variant.
Genome position (GRCh38, 1-based): chr17:31,163,230, A duplicated; the last of 3 consecutive A bases (chr17:31,163,228-31,163,230); duplicating any one gives the same sequence. VCF-style (leftmost placement, unchanged base first): chr17-31163227-C-CA. GRCh37 (hg19) VCF-style: chr17-29490245-C-CA.
Other names: c.333dup, p.Gln112Thrfs (NM_000267.4); c.333dup, p.Gln112fs (NM_001128147.3); short protein forms Q112fs.
Identifiers: ClinVar variation 1383353 (VCV001383353.6), dbSNP rs1597635722, ClinGen allele CA2573153562.
Genomic context (GRCh38, chr17:31,163,227, plus strand): 5'-GTGATTATTTCTATTTTAGCAACCAAAGGACACAATGAGATTAGATGAAACGATGCTGGT[C>CA]AAACAGTTGCTGCCAGAAATCTGCCATTTTCTTCACACCTGTCGTGAAGGAAACCAGCAT-3'